The following is an entry in ClinVar:

ClinVar aggregate classification (germline): Benign/Likely benign. Review status: criteria provided, multiple submitters, no conflicts (2 of 4 stars). 4 submissions from 4 submitters: Benign (2); Likely benign (2). Last evaluated 2026-02-01.

Conditions:
Severe combined immunodeficiency due to DNA-PKcs deficiency. Also called: IMMUNODEFICIENCY 26 WITH NEUROLOGIC ABNORMALITIES; Immunodeficiency 26 with or without neurologic abnormalities. Identifiers: Orphanet 317425, MedGen C4014833, MONDO:0014423, OMIM 615966.

Allele frequency attached by ClinVar (database versions not stated): 1000 Genomes Project 30x 0.00328; TOPMed 0.00381; 1000 Genomes Project 0.00399; gnomAD 0.00408 and 0.00423; ExAC 0.00451; gnomAD exomes 0.00451; ESP Exome Variant Server 0.00639.
gnomAD v4.1: 9,732 of 1,611,100 alleles (0.6%); highest among the groups gnomAD compares: Non-Finnish European, 0.73%; 39 homozygotes.

Submissions (4):

Labcorp Genetics (formerly Invitae), Labcorp
Classification: Benign for Severe combined immunodeficiency due to DNA-PKcs deficiency. Last evaluated: 2026-02-01. Review status: criteria provided, single submitter. Criteria: Invitae Variant Classification Sherloc (09022015). Collection method: clinical testing. Allele origin: germline.

CeGaT Center for Human Genetics Tuebingen
Classification: Benign. Last evaluated: 2023-02-01. Review status: criteria provided, single submitter. Criteria: CeGaT Center For Human Genetics Tuebingen Variant Classification Criteria Version 2. Collection method: clinical testing. Allele origin: germline. Affected: yes. Observed: 2 variant alleles.
Comment: PRKDC: BP4, BP7, BS1, BS2

GeneDx
Classification: Likely benign. Last evaluated: 2016-07-12. Review status: criteria provided, single submitter. Criteria: GeneDx Variant Classification (06012015). Collection method: clinical testing. Allele origin: germline. Affected: yes.
Comment: This variant is considered likely benign or benign based on one or more of the following criteria: it is a conservative change, it occurs at a poorly conserved position in the protein, it is predicted to be benign by multiple in silico algorithms, and/or has population frequency not consistent with disease.

Breakthrough Genomics
Classification: Likely benign. Review status: criteria provided, single submitter. Criteria: ACMG Guidelines, 2015. Collection method: not provided. Allele origin: germline. Inheritance: Autosomal recessive inheritance. Affected: yes.

NM_006904.7(PRKDC):c.6480C>T (p.Tyr2160=)

Gene: PRKDC (protein kinase, DNA-activated, catalytic subunit; minus strand). Cytogenetic location: 8q11.21.
Variant type: single nucleotide variant.
Coding change: c.6480C>T on transcript NM_006904.7 (MANE Select); coding-DNA position 6480, C replaced by T.
Protein change: p.Tyr2160=; no amino-acid change (tyrosine 2160 retained).
Molecular consequence: synonymous variant.
Genome position (GRCh38, 1-based): chr8:47,857,285, G>A on the plus strand (C>T on the coding strand, the complement: PRKDC is on the minus strand). VCF-style: chr8-47857285-G-A. GRCh37 (hg19) VCF-style: chr8-48769846-G-A.
Other names: c.6480C>T, p.Tyr2160= (NM_001081640.2).
Identifiers: ClinVar variation 380483 (VCV000380483.36), dbSNP rs55991828, ClinGen allele CA4740333.